The following is an entry in ClinVar:

ClinVar aggregate classification (germline): Benign/Likely benign. Review status: criteria provided, multiple submitters, no conflicts (2 of 4 stars). 21 submissions from 14 submitters: Benign (15); Likely benign (4). 2 of the submissions do not count toward it. Last evaluated 2026-01-28.

Conditions:
Cardiovascular phenotype. Identifiers: MedGen CN230736.
Dilated cardiomyopathy 1G (CMD1G). Identifiers: Orphanet 154, MedGen C1858763, MONDO:0011400, OMIM 604145.
Autosomal recessive limb-girdle muscular dystrophy type 2J (LGMDR10). Also called: MUSCULAR DYSTROPHY, LIMB-GIRDLE, AUTOSOMAL RECESSIVE 10; Limb-girdle muscular dystrophy, type 2J. Identifiers: Orphanet 140922, MedGen C1837342, MONDO:0012127, OMIM 608807.
Cardiomyopathy (CMYO). Also called: Cardiomyopathies. Identifiers: Orphanet 167848, MedGen C0878544, MONDO:0004994, HP:0001638. Inheritance: Various modes of inheritance.
Early-onset myopathy with fatal cardiomyopathy (CMYO5). Also called: CONGENITAL MYOPATHY 5 WITH CARDIOMYOPATHY; Salih Myopathy. Identifiers: Orphanet 289377, MedGen C2673677, MONDO:0012714, OMIM 611705. Disease mechanism: loss of function.
Myopathy, myofibrillar, 9, with early respiratory failure (MFM9). Also called: Myopathy, distal, with early respiratory failure, autosomal dominant; Hereditary myopathy with early respiratory failure; MYOPATHY, PROXIMAL, WITH EARLY RESPIRATORY MUSCLE INVOLVEMENT; EDSTROM MYOPATHY. Identifiers: Orphanet 178464, Orphanet 34521, MedGen C1863599, MONDO:0011362, OMIM 603689.
Tibial muscular dystrophy (TMD). Also called: Udd Distal Myopathy – Tibial Muscular Dystrophy; Tibial muscular dystrophy, tardive; UDD MYOPATHY. Identifiers: Orphanet 609, MedGen C1838244, MONDO:0010870, OMIM 600334.

Allele frequency attached by ClinVar (database versions not stated): gnomAD exomes 0.00110 and 0.00043; gnomAD 0.00405 and 0.00446; TOPMed 0.00450; ExAC 0.00124; 1000 Genomes Project 0.00180; 1000 Genomes Project 30x 0.00234; ESP Exome Variant Server 0.00454.
gnomAD v4.1: 1,265 of 1,610,766 alleles (0.079%); highest among the groups gnomAD compares: African/African-American, 1.5%; 7 homozygotes.

Submissions (21):

Labcorp Genetics (formerly Invitae), Labcorp
Classification: Benign for Dilated cardiomyopathy 1G; Autosomal recessive limb-girdle muscular dystrophy type 2J. Last evaluated: 2026-01-28. Review status: criteria provided, single submitter. Criteria: Invitae Variant Classification Sherloc (09022015). Collection method: clinical testing. Allele origin: germline.

Molecular Diagnostic Laboratory for Inherited Cardiovascular Disease, Montreal Heart Institute
Classification: Benign. Last evaluated: 2025-04-09. Review status: criteria provided, single submitter. Criteria: ACMG Guidelines, 2015. Collection method: clinical testing. Allele origin: germline. Affected: no.

Blueprint Genetics
Classification: Likely benign. Last evaluated: 2024-09-03. Review status: criteria provided, single submitter. Criteria: ACMG Guidelines, 2015. Collection method: clinical testing. Allele origin: germline.

Mayo Clinic Laboratories, Mayo Clinic
Classification: Benign. Last evaluated: 2024-08-09. Review status: criteria provided, single submitter. Criteria: ACMG Guidelines, 2015. Collection method: clinical testing. Allele origin: germline. Observed: 11 variant alleles.

ARUP Laboratories, Molecular Genetics and Genomics, ARUP Laboratories
Classification: Benign. Last evaluated: 2023-03-28. Review status: criteria provided, single submitter. Criteria: ARUP Molecular Germline Variant Investigation Process 2024. Collection method: clinical testing. Allele origin: germline.

Genome-Nilou Lab
Classification: Benign for Autosomal recessive limb-girdle muscular dystrophy type 2J. Last evaluated: 2021-09-10. Review status: criteria provided, single submitter. Criteria: ACMG Guidelines, 2015. Collection method: clinical testing. Allele origin: germline. Affected: no.

Genome-Nilou Lab
Classification: Benign for Myopathy, myofibrillar, 9, with early respiratory failure. Last evaluated: 2021-09-10. Review status: criteria provided, single submitter. Criteria: ACMG Guidelines, 2015. Collection method: clinical testing. Allele origin: germline. Affected: no.

Genome-Nilou Lab
Classification: Benign for Early-onset myopathy with fatal cardiomyopathy. Last evaluated: 2021-09-10. Review status: criteria provided, single submitter. Criteria: ACMG Guidelines, 2015. Collection method: clinical testing. Allele origin: germline. Affected: no.

Genome-Nilou Lab
Classification: Benign for Tibial muscular dystrophy. Last evaluated: 2021-09-10. Review status: criteria provided, single submitter. Criteria: ACMG Guidelines, 2015. Collection method: clinical testing. Allele origin: germline. Affected: no.

Women's Health and Genetics/Laboratory Corporation of America, LabCorp
Classification: Benign. Last evaluated: 2021-03-15. Review status: criteria provided, single submitter. Criteria: LabCorp Variant Classification Summary - May 2015. Collection method: clinical testing. Allele origin: germline.

Illumina Laboratory Services, Illumina
Classification: Likely benign for Dilated cardiomyopathy 1G. Last evaluated: 2018-01-13. Review status: criteria provided, single submitter. Criteria: ICSL Variant Classification Criteria 13 December 2019. Collection method: clinical testing. Allele origin: germline.
Comment: This variant was observed in the ICSL laboratory as part of a predisposition screen in an ostensibly healthy population. It had not been previously curated by ICSL or reported in the Human Gene Mutation Database (HGMD: prior to June 1st, 2018), and was therefore a candidate for classification through an automated scoring system. Utilizing variant allele frequency, disease prevalence and penetrance estimates, and inheritance mode, an automated score was calculated to assess if this variant is too frequent to cause the disease. Based on the score and internal cut-off values, a variant classified as likely benign is not then subjected to further curation. The score for this variant resulted in a classification of likely benign for this disease.

Illumina Laboratory Services, Illumina
Classification: Benign for Tibial muscular dystrophy. Last evaluated: 2018-01-13. Review status: criteria provided, single submitter. Criteria: ICSL Variant Classification Criteria 13 December 2019. Collection method: clinical testing. Allele origin: germline.
Comment: This variant was observed in the ICSL laboratory as part of a predisposition screen in an ostensibly healthy population. It had not been previously curated by ICSL or reported in the Human Gene Mutation Database (HGMD: prior to June 1st, 2018), and was therefore a candidate for classification through an automated scoring system. Utilizing variant allele frequency, disease prevalence and penetrance estimates, and inheritance mode, an automated score was calculated to assess if this variant is too frequent to cause the disease. Based on the score and internal cut-off values, a variant classified as benign is not then subjected to further curation. The score for this variant resulted in a classification of benign for this disease.

Illumina Laboratory Services, Illumina
Classification: Benign for Myopathy, myofibrillar, 9, with early respiratory failure. Last evaluated: 2018-01-13. Review status: criteria provided, single submitter. Criteria: ICSL Variant Classification Criteria 13 December 2019. Collection method: clinical testing. Allele origin: germline.
Comment: the same text as in the submission from Illumina Laboratory Services, Illumina above.

Illumina Laboratory Services, Illumina
Classification: Likely benign for Early-onset myopathy with fatal cardiomyopathy. Last evaluated: 2018-01-13. Review status: criteria provided, single submitter. Criteria: ICSL Variant Classification Criteria 13 December 2019. Collection method: clinical testing. Allele origin: germline.
Comment: the same text as in the submission from Illumina Laboratory Services, Illumina above.

Illumina Laboratory Services, Illumina
Classification: Likely benign for Autosomal recessive limb-girdle muscular dystrophy type 2J. Last evaluated: 2018-01-13. Review status: criteria provided, single submitter. Criteria: ICSL Variant Classification Criteria 13 December 2019. Collection method: clinical testing. Allele origin: germline.
Comment: the same text as in the submission from Illumina Laboratory Services, Illumina above.

CHEO Genetics Diagnostic Laboratory, Children's Hospital of Eastern Ontario
Classification: Benign for Cardiomyopathy. Last evaluated: 2017-12-01. Review status: criteria provided, single submitter. Criteria: ACMG Guidelines, 2015. Collection method: clinical testing. Allele origin: germline.

Ambry Genetics
Classification: Benign for Cardiovascular phenotype. Last evaluated: 2016-11-02. Review status: criteria provided, single submitter. Criteria: Ambry Variant Classification Scheme 2023. Collection method: clinical testing. Allele origin: germline.

GeneDx
Classification: Benign. Last evaluated: 2013-05-07. Review status: criteria provided, single submitter. Criteria: GeneDx Variant Classification (06012015). Collection method: clinical testing. Allele origin: germline. Affected: yes.
Comment: This variant is considered likely benign or benign based on one or more of the following criteria: it is a conservative change, it occurs at a poorly conserved position in the protein, it is predicted to be benign by multiple in silico algorithms, and/or has population frequency not consistent with disease.

Laboratory for Molecular Medicine, Mass General Brigham Personalized Medicine
Classification: Benign. Last evaluated: 2012-04-19. Review status: criteria provided, single submitter. Criteria: LMM Criteria. Collection method: clinical testing. Allele origin: germline. Observed: 10 variant alleles.
Comment: Asp31331Asp in Exon 307 of TTN: This variant is not expected to have clinical si gnificance because it does not alter an amino acid residue, is not located withi n the splice consensus sequence and has been identified in 1.5% (44/3018) of Afr ican American chromosomes from a broad population by the NHLBI Exome Sequencing Project (dbSNP rs114267234).

Clinical Genetics DNA and cytogenetics Diagnostics Lab, Erasmus MC, Erasmus Medical Center
Classification: Benign. Review status: no assertion criteria provided. Collection method: clinical testing. Allele origin: germline. Affected: yes. Study: VKGL Data-share Consensus. Not counted in ClinVar's aggregate classification.

Clinical Genetics, Academic Medical Center
Classification: Benign. Review status: no assertion criteria provided. Collection method: clinical testing. Allele origin: germline. Affected: yes. Study: VKGL Data-share Consensus. Not counted in ClinVar's aggregate classification.

NM_001267550.2(TTN):c.101697C>T (p.Asp33899=)

Genes: TTN (titin; minus strand), TTN-AS1 (TTN antisense RNA 1; plus strand). Cytogenetic location: 2q31.2.
Variant type: single nucleotide variant.
Coding change: c.101697C>T on transcript NM_001267550.2 (MANE Select); coding-DNA position 101697, C replaced by T.
Protein change: p.Asp33899=; no amino-acid change (aspartic acid 33899 retained).
Molecular consequence: synonymous variant.
Genome position (GRCh38, 1-based): chr2:178,534,918, G>A on the plus strand (C>T on the coding strand, the complement: TTN is on the minus strand). VCF-style: chr2-178534918-G-A. GRCh37 (hg19) VCF-style: chr2-179399645-G-A.
Other names: p.D32258D:GAC>GAT; p.Asp31331=; c.96774C>T, p.Asp32258= (NM_001256850.1); c.74502C>T, p.Asp24834= (NM_003319.4); c.93993C>T, p.Asp31331= (NM_133378.4); c.74877C>T, p.Asp24959= (NM_133432.3); c.75078C>T, p.Asp25026= (NM_133437.4).
Identifiers: ClinVar variation 47640 (VCV000047640.34), dbSNP rs114267234, ClinGen allele CA284237.
Genomic context (GRCh38, chr2:178,534,918, plus strand): 5'-ATAACTTACAATTTCTCTTTCATTAAGTTCAAAAGCACTTGTGTTAATGCGCTCAAATAT[G>A]TCAAGTCCTGATATAAACTCAAAGATCATAACTAATTCTTCCATGCTTTCAAATGATTCA-3'
Protein context (NP_001254479.2, residues 33889-33909): VMIFEFISGL[Asp33899=]IFERINTSAF